The following is an entry in ClinVar:

ClinVar aggregate classification (germline): Uncertain significance (1 of 4 stars; one submission).

Submission:

Ambry Genetics
Classification: Uncertain significance. Last evaluated: 2026-08-31. Review status: criteria provided, single submitter. Criteria: Ambry Variant Classification Scheme 2023. Collection method: clinical testing. Allele origin: germline.
Comment: The p.G419D variant (also known as c.1256G>A), located in coding exon 10 of the RECQL gene, results from a G to A substitution at nucleotide position 1256. The glycine at codon 419 is replaced by aspartic acid, an amino acid with similar properties. This amino acid position is conserved. In addition, this alteration is predicted to be deleterious by in silico analysis. Based on the available evidence, the clinical significance of this variant remains unclear.

NM_002907.4(RECQL):c.1256G>A (p.Gly419Asp)

Gene: RECQL (RecQ like helicase; minus strand). Cytogenetic location: 12p12.1.
Variant type: single nucleotide variant.
Coding change: c.1256G>A on transcript NM_002907.4 (MANE Select); coding-DNA position 1256, G replaced by A.
Protein change: p.Gly419Asp; replaces glycine 419 with aspartic acid.
Molecular consequence: missense variant.
Genome position (GRCh38, 1-based): chr12:21,474,940, C>T on the plus strand (G>A on the coding strand, the complement: RECQL is on the minus strand). VCF-style: chr12-21474940-C-T. GRCh37 (hg19) VCF-style: chr12-21627874-C-T.
Other names: c.1256G>A, p.Gly419Asp (NM_032941.3); short protein forms G419D.
Identifiers: ClinVar variation 5028063 (VCV005028063.1).
Genomic context (GRCh38, chr12:21,474,940, plus strand): 5'-TTCTGCTGTCCCACATTTTCCATCACCACCATTGAACTTATTCTGAATATATCTCCAAAG[C>T]CGTAGTACAAAATACAGTCTGCTTTCATGTCATCTCGACCTGTGGTGTGAGAAACCTTGA-3'
Protein context (NP_002898.2, residues 409-429): DMKADCILYY[Gly419Asp]FGDIFRISSM